The following is an entry in ClinVar:

ClinVar aggregate classification (germline): Uncertain significance (1 of 4 stars; one submission).

gnomAD v4.1: 1 of 1,612,524 alleles (0.000062%); highest among the groups gnomAD compares: Non-Finnish European, 0.000085%; no homozygotes.

Submission:

GeneDx
Classification: Uncertain significance. Last evaluated: 2025-06-11. Review status: criteria provided, single submitter. Criteria: GeneDx Variant Classification Process June 2021. Collection method: clinical testing. Allele origin: germline. Affected: yes.
Comment: Not observed at significant frequency in large population cohorts (gnomAD); In silico analysis supports that this missense variant has a deleterious effect on protein structure/function; Has not been previously published as pathogenic or benign to our knowledge

NM_021614.4(KCNN2):c.2096A>G (p.Asn699Ser)

Genes: KCNN2 (potassium calcium-activated channel subfamily N member 2; plus strand), LOC101927078 (uncharacterized LOC101927078; minus strand). Cytogenetic location: 5q22.3.
Variant type: single nucleotide variant.
Coding change: c.2096A>G on transcript NM_021614.4 (MANE Select); coding-DNA position 2096, A replaced by G.
Protein change: p.Asn699Ser; replaces asparagine 699 with serine.
Molecular consequence: missense variant. On other transcripts: non-coding transcript variant (2).
Genome position (GRCh38, 1-based): chr5:114,495,902, A>G. VCF-style: chr5-114495902-A-G. GRCh37 (hg19) VCF-style: chr5-113831599-A-G.
Other names: c.2294A>G, p.Asn765Ser (NM_001372233.1); c.416A>G, p.Asn139Ser (NM_170775.3); short protein forms N139S, N699S, N765S.
Identifiers: ClinVar variation 4538094 (VCV004538094.1).